The following is an entry in ClinVar:

ClinVar aggregate classification (germline): Uncertain significance (1 of 4 stars; one submission).

Submission:

Labcorp Genetics (formerly Invitae), Labcorp
Classification: Uncertain significance. Last evaluated: 2022-05-07. Review status: criteria provided, single submitter. Criteria: Invitae Variant Classification Sherloc (09022015). Collection method: clinical testing. Allele origin: germline.
Comment: In summary, the available evidence is currently insufficient to determine the role of this variant in disease. Therefore, it has been classified as a Variant of Uncertain Significance. Advanced modeling of protein sequence and biophysical properties (such as structural, functional, and spatial information, amino acid conservation, physicochemical variation, residue mobility, and thermodynamic stability) performed at Invitae indicates that this missense variant is not expected to disrupt ABCA1 protein function. This variant has not been reported in the literature in individuals affected with ABCA1-related conditions. This variant is not present in population databases (gnomAD no frequency). This sequence change replaces serine, which is neutral and polar, with glycine, which is neutral and non-polar, at codon 1309 of the ABCA1 protein (p.Ser1309Gly).

NM_005502.4(ABCA1):c.3925A>G (p.Ser1309Gly)

Gene: ABCA1 (ATP binding cassette subfamily A member 1; minus strand). Cytogenetic location: 9q31.1.
Variant type: single nucleotide variant.
Coding change: c.3925A>G on transcript NM_005502.4 (MANE Select); coding-DNA position 3925, A replaced by G.
Protein change: p.Ser1309Gly; replaces serine 1309 with glycine.
Molecular consequence: missense variant.
Genome position (GRCh38, 1-based): chr9:104,812,699, T>C on the plus strand (A>G on the coding strand, the complement: ABCA1 is on the minus strand). VCF-style: chr9-104812699-T-C. GRCh37 (hg19) VCF-style: chr9-107574980-T-C.
Other names: short protein forms S1309G.
Identifiers: ClinVar variation 1967673 (VCV001967673.5), dbSNP rs2538113324, ClinGen allele CA374317253.